The following is an entry in ClinVar:

NM_002691.4(POLD1):c.1495-17T>C

Gene: POLD1 (DNA polymerase delta 1, catalytic subunit; plus strand). Cytogenetic location: 19q13.33.
Variant type: single nucleotide variant.
Coding change: c.1495-17T>C on transcript NM_002691.4 (MANE Select); 17 bases into the intron before coding-DNA position 1495, T replaced by C.
Molecular consequence: intron variant.
Genome position (GRCh38, 1-based): chr19:50,406,966, T>C. VCF-style: chr19-50406966-T-C. GRCh37 (hg19) VCF-style: chr19-50910223-T-C.
Other names: c.1495-17T>C (NM_001256849.1, NM_001308632.1).
Identifiers: ClinVar variation 1576456 (VCV001576456.9), dbSNP rs2122335116, ClinGen allele CA2573156686.

ClinVar aggregate classification (germline): Likely benign. Review status: criteria provided, multiple submitters, no conflicts (2 of 4 stars). 2 submissions from 2 submitters: Likely benign (2). Last evaluated 2025-02-06.

Conditions:
POLD1-related polyposis and colorectal cancer syndrome (CRCS10). Also called: Colorectal cancer 10; COLORECTAL CANCER, SUSCEPTIBILITY TO, ON CHROMOSOME 19q; Colorectal cancer, susceptibility to, 10. Identifiers: Orphanet 220460, MedGen C2675481, MONDO:0012953, OMIM 612591.

Allele frequency attached by ClinVar (database versions not stated): gnomAD exomes below 0.00001.
gnomAD v4.1: 1 of 1,019,444 alleles (0.000098%); highest among the groups gnomAD compares: Non-Finnish European, 0.00014%; no homozygotes.

Submissions (2):

Myriad Genetics, Inc.
Classification: Likely benign for POLD1-related polyposis and colorectal cancer syndrome. Last evaluated: 2025-02-06. Review status: criteria provided, single submitter. Criteria: Myriad Autosomal Dominant, Autosomal Recessive and X-Linked Classification Criteria (2023). Collection method: clinical testing. Allele origin: unknown.
Comment: This variant is considered likely benign. This variant is intronic and is not expected to impact mRNA splicing.

Labcorp Genetics (formerly Invitae), Labcorp
Classification: Likely benign for POLD1-related polyposis and colorectal cancer syndrome. Last evaluated: 2022-11-17. Review status: criteria provided, single submitter. Criteria: Invitae Variant Classification Sherloc (09022015). Collection method: clinical testing. Allele origin: germline.